The following is an entry in ClinVar:

ClinVar aggregate classification (germline): Uncertain significance. Review status: criteria provided, multiple submitters, no conflicts (2 of 4 stars). 3 submissions from 3 submitters: Uncertain significance (3). Last evaluated 2025-07-07.

Conditions:
Inborn genetic diseases. Identifiers: MedGen C0950123, MeSH D030342.

Submissions (3):

Labcorp Genetics (formerly Invitae), Labcorp
Classification: Uncertain significance. Last evaluated: 2025-07-07. Review status: criteria provided, single submitter. Criteria: Invitae Variant Classification Sherloc (09022015). Collection method: clinical testing. Allele origin: germline.
Comment: This sequence change replaces arginine, which is basic and polar, with glutamine, which is neutral and polar, at codon 191 of the MDH2 protein (p.Arg191Gln). This variant is present in population databases (rs201528060, gnomAD 0.01%). This variant has not been reported in the literature in individuals affected with MDH2-related conditions. ClinVar contains an entry for this variant (Variation ID: 1357414). Invitae Evidence Modeling of protein sequence and biophysical properties (such as structural, functional, and spatial information, amino acid conservation, physicochemical variation, residue mobility, and thermodynamic stability) indicates that this missense variant is not expected to disrupt MDH2 protein function with a negative predictive value of 80%. In summary, the available evidence is currently insufficient to determine the role of this variant in disease. Therefore, it has been classified as a Variant of Uncertain Significance.

Ambry Genetics
Classification: Uncertain significance for Inborn genetic diseases. Last evaluated: 2022-09-25. Review status: criteria provided, single submitter. Criteria: Ambry Variant Classification Scheme 2023. Collection method: clinical testing. Allele origin: germline.
Comment: The p.R191Q variant (also known as c.572G>A), located in coding exon 6 of the MDH2 gene, results from a G to A substitution at nucleotide position 572. The arginine at codon 191 is replaced by glutamine, an amino acid with highly similar properties. This amino acid position is conserved. In addition, the in silico prediction for this alteration is inconclusive. Since supporting evidence is limited at this time, the clinical significance of this alteration remains unclear.

Breakthrough Genomics
Classification: Uncertain significance. Review status: criteria provided, single submitter. Criteria: ACMG Guidelines, 2015. Collection method: not provided. Allele origin: germline. Inheritance: Autosomal recessive inheritance. Affected: yes.

NM_005918.4(MDH2):c.572G>A (p.Arg191Gln)

Gene: MDH2 (malate dehydrogenase 2; plus strand). Cytogenetic location: 7q11.23.
Variant type: single nucleotide variant.
Coding change: c.572G>A on transcript NM_005918.4 (MANE Select); coding-DNA position 572, G replaced by A.
Protein change: p.Arg191Gln; replaces arginine 191 with glutamine.
Molecular consequence: missense variant.
Genome position (GRCh38, 1-based): chr7:76,063,531, G>A. VCF-style: chr7-76063531-G-A. GRCh37 (hg19) VCF-style: chr7-75692849-G-A.
Other names: c.446G>A, p.Arg149Gln (NM_001282403.2); c.251G>A, p.Arg84Gln (NM_001282404.2); short protein forms R149Q, R191Q, R84Q.
Identifiers: ClinVar variation 1357414 (VCV001357414.8), dbSNP rs201528060, ClinGen allele CA4305605.